The following is an entry in ClinVar:

ClinVar aggregate classification (germline): Pathogenic. Review status: reviewed by expert panel (3 of 4 stars). 11 submissions from 11 submitters: Pathogenic (1). 10 of the submissions do not count toward it. Last evaluated 2026-03-03.

Conditions:
Glycogen storage disease due to acid maltase deficiency, late-onset (LOPD). Also called: POMPE DISEASE, LATE-ONSET; GLYCOGEN STORAGE DISEASE II, LATE-ONSET; ACID ALPHA-GLUCOSIDASE DEFICIENCY, LATE-ONSET; GAA DEFICIENCY, LATE-ONSET; ACID MALTASE DEFICIENCY, LATE-ONSET; AMD, LATE-ONSET. Identifiers: Orphanet 420429, MedGen C0342753, MONDO:0018485, OMIM 621314.
Glycogen storage disease, type II (IOPD). Also called: CARDIOMEGALIA GLYCOGENICA DIFFUSA; GLYCOGENOSIS, GENERALIZED, CARDIAC FORM; GSD II; Glucosidase acid-1,4-alpha deficiency; Pompe Disease; POMPE DISEASE, INFANTILE-ONSET. Identifiers: Orphanet 365, MedGen C0017921, MONDO:0009290, OMIM 232300.

Allele frequency attached by ClinVar (database versions not stated): gnomAD 0.00001; TOPMed 0.00001; ExAC 0.00002; gnomAD exomes 0.00002; 1000 Genomes Project 0.00020; 1000 Genomes Project 30x 0.00031.
gnomAD v4.1: 8 of 1,612,222 alleles (0.0005%); highest among the groups gnomAD compares: East Asian, 0.011%; no homozygotes.

Submissions 1 to 7 of 11:

ClinGen Lysosomal Storage Disorder Variant Curation Expert Panel
Classification: Pathogenic for Glycogen storage disease, type II. Last evaluated: 2026-03-03. Review status: reviewed by expert panel. Criteria: clingen_lsd_acmg_specifications_v2-1. Collection method: curation. Allele origin: germline. Inheritance: Autosomal recessive inheritance.
Comment: The NM_000152.5: c.1843G>A variant in GAA is a missense variant predicted to cause substitution of glycine by arginine at amino acid 615 (p.Gly615Arg). At least 17 patients with a diagnosis of Pompe disease have been reported with this variant. Where data is available, these patients are all of East Asian descent. Most of these patients have been diagnosed with infantile-onset Pompe disease, with documentation of hypertrophic cardiomyopathy and hypotonia, as well as laboratory values showing deficient GAA activity <10% GAA activity in cultured fibroblasts and/or GAA activity in the affected range in leukocytes or dried blood spots (PMIDs: 15366815, 16860134, 18458862, 25037089, 32711049, 37542277 40952111) and on enzyme replacement therapy (PMIDs: 16860134, 25037089) (PP4_Moderate). At least 9 patients are compound heterozygous, phase unknown, for the variant and another variant in GAA that has been classified as pathogenic for Pompe disease by the ClinGen LD VCEP including c.1411_1414del (PMID: 32711049, 40952111; 2 x 0.5 points), c.1935C>A (p.Asp645Glu) (PMID: 18458862, 32711049, 37542277, 4 patients, max 2 x 0.5 points), c.2815_2816delGT (PMID: 37542277, 0.5 points), c.2238G>A (p.Trp746Ter) (PMID: 16860134, 0.5), and c.-32-13T>G (PMID: 18607768, 0.5 points); and one patient is compound heterozygous for a likely pathogenic variant, c.796C > T (p.Pro266Ser) (PMID: 40952111, 0.25 points). At least 2 patients are homozygous for the variant (PMID: 15366815, 25037089, 32711049, max 2 x 0.5). Total for PM3 = 4.75 (PM3_VeryStrong). A further 8 patients are compound heterozygous for the variant and a second variant in GAA (c.1933G>C (p.Asp645His) (PMID: 40952111, n=4); c.625T > C (p.Tyr209His) (PMID: 40952111); c.2563G> C p.(Gly855Arg) (PMID: 40952111); c.1723T > C p.(Tyr575His) (PMID: 40952111), and c.1832G>A (p.Gly611Asp) (PMID: 24269976). The allelic data from these patients will be used in the classification of the second variant and will not be included here to avoid circular logic. Additional patients have been reported in the literature, but the data was not included because the cDNA change for the variant was not provided, or a second GAA variant was not identified (PMIDs: 10338092, 21757382, 40952111). The highest population minor allele frequency in gnomAD v4.1.0. is 0.0001115 (5/44842 alleles) in the East Asian population, which is lower than the ClinGen LD VCEP threshold (<0.001) for PM2_Supporting, meeting this criterion (PM2_Supporting). When expressed in COS cells, the variant resulted in <2% GAA activity (PMID 19862843) (PS3_Supporting). The computational predictor REVEL gives a score of 0.989 which is above the threshold of 0.7, evidence that correlates with impact to GAA function (PP3). Two other missense variants have been reported at this amino acid position - c.1844G>T (p.Gly615Val) (ClinVar Variation ID: 1002225), c.1844G>A (p.Gly615Glu) (ClinVar Variation ID: 972758). The classification of p.Gly615Arg will be used to support the classification of these other variants and is not included here to avoid circular logic. There is a ClinVar entry for this variant (Variation ID: 188746. In summary, this variant meets the criteria to be classified as Pathogenic for Pompe disease. GAA-specific ACMG/AMP criteria applied, as specified by the ClinGen Lysosomal Diseases Variant Curation Expert Panel (Specifications Version 2.0): PM3_Very Strong, PP4_Moderate, PS3_Supporting, PM2_Supporting, PP3. (Classification approved by the ClinGen Lysosomal Diseases Variant Curation Expert Panel on March 3, 2026)

Genomenon, Inc
Classification: Likely pathogenic for Glycogen storage disease, type II. Last evaluated: 2026-07-01. Review status: criteria provided, single submitter. Criteria: Genomenon Sequence Variant Interpretation Standards - Updated. Collection method: curation. Allele origin: germline. Affected: yes. Not counted in ClinVar's aggregate classification.
Comment: GAA p.Gly615Arg (c.1843G>A) is a missense variant that changes the amino acid at codon 615 from Glycine to Arginine. This variant has been observed in at least one proband with a GAA-related disorder in the compound heterozygous and/or homozygous state (PMID:40952111;37542277;36137614;32849613;32711049;31953985;31193175;31086307;15366815). At least one functional study has demonstrated a substantial alteration in protein function relative to the wild-type (PMID:19862843). It is absent or not present at a significant frequency in gnomAD. In silico models predict that this variant is possibly or probably damaging. In conclusion, we classify GAA p.Gly615Arg (c.1843G>A) as a likely pathogenic variant.

Labcorp Genetics (formerly Invitae), Labcorp
Classification: Pathogenic for Glycogen storage disease, type II. Last evaluated: 2026-01-19. Review status: criteria provided, single submitter. Criteria: Invitae Variant Classification Sherloc (09022015). Collection method: clinical testing. Allele origin: germline. Not counted in ClinVar's aggregate classification.
Comment: This sequence change replaces glycine, which is neutral and non-polar, with arginine, which is basic and polar, at codon 615 of the GAA protein (p.Gly615Arg). This variant is present in population databases (rs549029029, gnomAD 0.02%). This missense change has been observed in individual(s) with Pompe disease (PMID: 10338092, 15366815, 16860134, 18458862, 18607768, 21757382, 24269976, 25037089). In at least one individual the data is consistent with being in trans (on the opposite chromosome) from a pathogenic variant. ClinVar contains an entry for this variant (Variation ID: 188786). Invitae Evidence Modeling of protein sequence and biophysical properties (such as structural, functional, and spatial information, amino acid conservation, physicochemical variation, residue mobility, and thermodynamic stability) indicates that this missense variant is expected to disrupt GAA protein function with a positive predictive value of 95%. Experimental studies have shown that this missense change affects GAA function (PMID: 19862843). For these reasons, this variant has been classified as Pathogenic.

Natera, Inc.
Classification: Pathogenic for Glycogen storage disease type II. Last evaluated: 2025-06-09. Review status: criteria provided, single submitter. Criteria: Natera Variant Classification Schema (03/2026). Collection method: clinical testing. Allele origin: germline. Not counted in ClinVar's aggregate classification.
Comment: The c.1843G>A variant in GAA is a missense variant predicted to cause substitution of glycine to arginine at amino acid 615. This variant is rare in the general population with a frequency below the threshold expected for the associated phenotype(s). This variant has been observed in one or more individuals affected with the associated recessive disease, as either homozygous or compound heterozygous with a second variant (PMID: 16860134, 24269976, 31086307). A different variant at the same position has been determined to be Pathogenic or Likely Pathogenic. Computational prediction algorithms indicate this variant is likely to affect gene or protein function. Given the available evidence, this variant is classified as Pathogenic.

Revvity Omics, Revvity
Classification: Pathogenic. Last evaluated: 2023-02-27. Review status: criteria provided, single submitter. Criteria: ACMG Guidelines, 2015. Collection method: clinical testing. Allele origin: germline. Not counted in ClinVar's aggregate classification.

GeneDx
Classification: Pathogenic. Last evaluated: 2022-11-14. Review status: criteria provided, single submitter. Criteria: GeneDx Variant Classification Process June 2021. Collection method: clinical testing. Allele origin: germline. Affected: yes. Not counted in ClinVar's aggregate classification.
Comment: In silico analysis supports that this missense variant has a deleterious effect on protein structure/function; This variant is associated with the following publications: (PMID: 18458862, 21757382, 24269976, 11738358, 31254424, 15366815, 18301443, 20080426, 12394636, 16860134, 19862843, 11949932, 29046207, 31953985, 30275481, 32711049, 32014045, 31086307, 21232767, 10338092, 18607768)

Fulgent Genetics
Classification: Pathogenic for Glycogen storage disease, type II. Last evaluated: 2021-10-14. Review status: criteria provided, single submitter. Criteria: ACMG Guidelines, 2015. Collection method: clinical testing. Allele origin: unknown. Not counted in ClinVar's aggregate classification.

NM_000152.5(GAA):c.1843G>A (p.Gly615Arg)

Gene: GAA (alpha glucosidase; plus strand). Cytogenetic location: 17q25.3.
Variant type: single nucleotide variant.
Coding change: c.1843G>A on transcript NM_000152.5 (MANE Select); coding-DNA position 1843, G replaced by A.
Protein change: p.Gly615Arg; replaces glycine 615 with arginine.
Molecular consequence: missense variant.
Genome position (GRCh38, 1-based): chr17:80,112,666, G>A. VCF-style: chr17-80112666-G-A. GRCh37 (hg19) VCF-style: chr17-78086465-G-A.
Other names: NM_000152.5(GAA):c.1843G>A; c.1843G>A (LRG_673t1, NM_000152.4); c.1843G>A, p.Gly615Arg (NM_001079803.3, NM_001079804.3); short protein forms G615R.
Identifiers: ClinVar variation 188786 (VCV000188786.28), dbSNP rs549029029, ClinGen allele CA273955.